The following is an entry in ClinVar:

ClinVar aggregate classification (germline): Uncertain significance (1 of 4 stars; one submission).

Conditions:
Mucopolysaccharidosis type 6 (MPS6). Also called: MPS VI; ARSB DEFICIENCY; ARYLSULFATASE B DEFICIENCY; MPS 6; Maroteaux Lamy syndrome; N-ACETYLGALACTOSAMINE-4-SULFATASE DEFICIENCY. Identifiers: Orphanet 583, MedGen C0026709, MONDO:0009661, OMIM 253200.

Allele frequency attached by ClinVar (database versions not stated): gnomAD exomes below 0.00001.
gnomAD v4.1: 1 of 1,614,084 alleles (0.000062%); highest among the groups gnomAD compares: Admixed American, 0.0017%; no homozygotes.

Submission:

Labcorp Genetics (formerly Invitae), Labcorp
Classification: Uncertain significance for Mucopolysaccharidosis type 6. Last evaluated: 2022-09-23. Review status: criteria provided, single submitter. Criteria: Invitae Variant Classification Sherloc (09022015). Collection method: clinical testing. Allele origin: germline.
Comment: This sequence change replaces histidine, which is basic and polar, with leucine, which is neutral and non-polar, at codon 349 of the ARSB protein (p.His349Leu). This variant is not present in population databases (gnomAD no frequency). This variant has not been reported in the literature in individuals affected with ARSB-related conditions. Advanced modeling of protein sequence and biophysical properties (such as structural, functional, and spatial information, amino acid conservation, physicochemical variation, residue mobility, and thermodynamic stability) performed at Invitae indicates that this missense variant is expected to disrupt ARSB protein function. In summary, the available evidence is currently insufficient to determine the role of this variant in disease. Therefore, it has been classified as a Variant of Uncertain Significance.

NM_000046.5(ARSB):c.1046A>T (p.His349Leu)

Gene: ARSB (arylsulfatase B; minus strand). Cytogenetic location: 5q14.1.
Variant type: single nucleotide variant.
Coding change: c.1046A>T on transcript NM_000046.5 (MANE Select); coding-DNA position 1046, A replaced by T.
Protein change: p.His349Leu; replaces histidine 349 with leucine.
Molecular consequence: missense variant.
Genome position (GRCh38, 1-based): chr5:78,885,680, T>A on the plus strand (A>T on the coding strand, the complement: ARSB is on the minus strand). VCF-style: chr5-78885680-T-A. GRCh37 (hg19) VCF-style: chr5-78181503-T-A.
Other names: c.1046A>T, p.His349Leu (NM_198709.3); short protein forms H349L.
Identifiers: ClinVar variation 2156908 (VCV002156908.4), dbSNP rs2479235637, ClinGen allele CA360342953.
Genomic context (GRCh38, chr5:78,885,680, plus strand): 5'-TTTGTGCCATTGGTGTGTCCCCTGGCCAGCTTCACGAGTGTTGGCAGCCAGTCAGAGATG[T>A]GGATGAGCTCCCGGTTCTTCACGCCCTTCTGCTTCAGCAAGGGGCTTGCCACAAAGCCCA-3'
Protein context (NP_000037.2, residues 339-359): QKGVKNRELI[His349Leu]ISDWLPTLVK